The following is an entry in ClinVar:

ClinVar aggregate classification (germline): Uncertain significance. Review status: criteria provided, multiple submitters, no conflicts (2 of 4 stars). 2 submissions from 2 submitters: Uncertain significance (2). Last evaluated 2024-10-16.

Allele frequency attached by ClinVar (database versions not stated): gnomAD exomes below 0.00001.
gnomAD v4.1: 2 of 1,613,580 alleles (0.00012%); highest among the groups gnomAD compares: South Asian, 0.0011%; no homozygotes.

Submissions (2):

Labcorp Genetics (formerly Invitae), Labcorp
Classification: Uncertain significance. Last evaluated: 2024-10-16. Review status: criteria provided, single submitter. Criteria: Invitae Variant Classification Sherloc (09022015). Collection method: clinical testing. Allele origin: germline.
Comment: This sequence change replaces cysteine, which is neutral and slightly polar, with serine, which is neutral and polar, at codon 1067 of the IMPG2 protein (p.Cys1067Ser). This variant is not present in population databases (gnomAD no frequency). This missense change has been observed in individual(s) with clinical features of IMPG2-related conditions (internal data). ClinVar contains an entry for this variant (Variation ID: 1020976). Invitae Evidence Modeling of protein sequence and biophysical properties (such as structural, functional, and spatial information, amino acid conservation, physicochemical variation, residue mobility, and thermodynamic stability) indicates that this missense variant is expected to disrupt IMPG2 protein function with a positive predictive value of 80%. In summary, the available evidence is currently insufficient to determine the role of this variant in disease. Therefore, it has been classified as a Variant of Uncertain Significance.

Blueprint Genetics
Classification: Uncertain significance. Last evaluated: 2017-06-18. Review status: criteria provided, single submitter. Criteria: ACMG Guidelines, 2015. Collection method: clinical testing. Allele origin: germline.

NM_016247.4(IMPG2):c.3199T>A (p.Cys1067Ser)

Gene: IMPG2 (interphotoreceptor matrix proteoglycan 2; minus strand). Cytogenetic location: 3q12.3.
Variant type: single nucleotide variant.
Coding change: c.3199T>A on transcript NM_016247.4 (MANE Select); coding-DNA position 3199, T replaced by A.
Protein change: p.Cys1067Ser; replaces cysteine 1067 with serine.
Molecular consequence: missense variant.
Genome position (GRCh38, 1-based): chr3:101,232,815, A>T on the plus strand (T>A on the coding strand, the complement: IMPG2 is on the minus strand). VCF-style: chr3-101232815-A-T. GRCh37 (hg19) VCF-style: chr3-100951659-A-T.
Other names: short protein forms C1067S.
Identifiers: ClinVar variation 1020976 (VCV001020976.9), dbSNP rs1706304286, ClinGen allele CA353849721.